The following is an entry in ClinVar:

NM_005751.5(AKAP9):c.9929G>A (p.Arg3310Gln)

Gene: AKAP9 (A-kinase anchoring protein 9; plus strand). Cytogenetic location: 7q21.2.
Variant type: single nucleotide variant.
Coding change: c.9929G>A on transcript NM_005751.5 (MANE Select); coding-DNA position 9929, G replaced by A.
Protein change: p.Arg3310Gln; replaces arginine 3310 with glutamine.
Molecular consequence: missense variant.
Genome position (GRCh38, 1-based): chr7:92,096,888, G>A. VCF-style: chr7-92096888-G-A. GRCh37 (hg19) VCF-style: chr7-91726202-G-A.
Other names: c.4574G>A, p.Arg1525Gln (NM_001379277.1); c.9905G>A, p.Arg3302Gln (NM_147185.3); short protein forms R3310Q, R3302Q, R1525Q.
Identifiers: ClinVar variation 191524 (VCV000191524.26), dbSNP rs78351282, ClinGen allele CA236894.

ClinVar aggregate classification (germline): Benign/Likely benign. Review status: criteria provided, multiple submitters, no conflicts (2 of 4 stars). 8 submissions from 8 submitters: Benign (6); Likely benign (2). Last evaluated 2026-02-03.

Conditions:
Cardiovascular phenotype. Identifiers: MedGen CN230736.
Long QT syndrome (LQTS). Identifiers: MedGen C0023976, MeSH D008133, MONDO:0002442. Disease mechanism: loss of function. Inheritance: Various modes of inheritance.
Long QT syndrome 11 (LQT11). Identifiers: Orphanet 101016, Orphanet 768, MedGen C2678483, MONDO:0012738, OMIM 611820.

Allele frequency attached by ClinVar (database versions not stated): gnomAD 0.00680 and 0.00735; ESP Exome Variant Server 0.00730; TOPMed 0.00735; 1000 Genomes Project 0.00759; 1000 Genomes Project 30x 0.00812.
gnomAD v4.1: 1,908 of 1,614,124 alleles (0.12%); highest among the groups gnomAD compares: African/African-American, 2.2%; 22 homozygotes.

Submissions (8):

Labcorp Genetics (formerly Invitae), Labcorp
Classification: Benign for Long QT syndrome. Last evaluated: 2026-02-03. Review status: criteria provided, single submitter. Criteria: Invitae Variant Classification Sherloc (09022015). Collection method: clinical testing. Allele origin: germline.

Genome-Nilou Lab
Classification: Benign for Long QT syndrome 11. Last evaluated: 2021-12-05. Review status: criteria provided, single submitter. Criteria: ACMG Guidelines, 2015. Collection method: clinical testing. Allele origin: germline. Affected: no.

Women's Health and Genetics/Laboratory Corporation of America, LabCorp
Classification: Benign. Last evaluated: 2021-08-09. Review status: criteria provided, single submitter. Criteria: LabCorp Variant Classification Summary - May 2015. Collection method: clinical testing. Allele origin: germline.
Comment: Variant summary: AKAP9 c.9929G>A (p.Arg3310Gln) results in a conservative amino acid change in the encoded protein sequence. Five of five in-silico tools predict a benign effect of the variant on protein function. The variant allele was found at a frequency of 0.0016 in 251304 control chromosomes in the gnomAD database, including 3 homozygotes. The observed variant frequency is approximately 488 fold of the estimated maximal expected allele frequency for a pathogenic variant in AKAP9 causing Long QT Syndrome phenotype (3.3e-06), strongly suggesting that the variant is benign. To our knowledge, no occurrence of c.9929G>A in individuals affected with Long QT Syndrome and no experimental evidence demonstrating its impact on protein function have been reported. Three clinical diagnostic laboratories have submitted clinical-significance assessments for this variant to ClinVar after 2014 without evidence for independent evaluation. All laboratories classified the variant as benign/likely benign. Based on the evidence outlined above, the variant was classified as benign.

Fulgent Genetics
Classification: Benign for Long QT syndrome 11. Last evaluated: 2021-07-21. Review status: criteria provided, single submitter. Criteria: ACMG Guidelines, 2015. Collection method: clinical testing. Allele origin: unknown.

Ambry Genetics
Classification: Benign for Cardiovascular phenotype. Last evaluated: 2016-09-23. Review status: criteria provided, single submitter. Criteria: Ambry Variant Classification Scheme 2023. Collection method: clinical testing. Allele origin: germline.

GeneDx
Classification: Benign. Last evaluated: 2015-03-03. Review status: criteria provided, single submitter. Criteria: GeneDx Variant Classification Process June 2021. Collection method: clinical testing. Allele origin: germline. Affected: yes.

Biesecker Lab/Clinical Genomics Section, National Institutes of Health
Classification: Likely benign. Last evaluated: 2013-06-24. Review status: criteria provided, single submitter. Criteria: Ng et al. (Circ Cardiovasc Genet. 2013). Collection method: research. Allele origin: unknown. Observed: 3 variant alleles. Study: ClinSeq.
Comment: The study set was not selected for affection status in relation to any cancer. Pathogenicity categories were based on literature curation. See Pubmed ID:23861362 for details.

Medical sequencing

Breakthrough Genomics
Classification: Likely benign. Review status: criteria provided, single submitter. Criteria: ACMG Guidelines, 2015. Collection method: not provided. Allele origin: germline. Inheritance: Autosomal dominant inheritance. Affected: yes.